The following is an entry in ClinVar:

ClinVar aggregate classification (germline): Uncertain significance. Review status: criteria provided, multiple submitters, no conflicts (2 of 4 stars). 2 submissions from 2 submitters: Uncertain significance (2). Last evaluated 2025-03-07.

Conditions:
Inborn genetic diseases. Identifiers: MedGen C0950123, MeSH D030342.
MHC class I deficiency. Identifiers: Orphanet 34592, MedGen C6024714, MONDO:0011476.

Allele frequency attached by ClinVar (database versions not stated): gnomAD exomes 0.00001.
gnomAD v4.1: 9 of 1,579,228 alleles (0.00057%); highest among the groups gnomAD compares: Non-Finnish European, 0.00077%; no homozygotes.

Submissions (2):

Ambry Genetics
Classification: Uncertain significance for Inborn genetic diseases. Last evaluated: 2025-03-07. Review status: criteria provided, single submitter. Criteria: Ambry Variant Classification Scheme 2023. Collection method: clinical testing. Allele origin: germline.

Labcorp Genetics (formerly Invitae), Labcorp
Classification: Uncertain significance for MHC class I deficiency 1. Last evaluated: 2022-01-05. Review status: criteria provided, single submitter. Criteria: Invitae Variant Classification Sherloc (09022015). Collection method: clinical testing. Allele origin: germline.
Comment: This sequence change replaces glycine, which is neutral and non-polar, with alanine, which is neutral and non-polar, at codon 169 of the TAP1 protein (p.Gly169Ala). This variant is present in population databases (no rsID available, gnomAD 0.001%). This variant has not been reported in the literature in individuals affected with TAP1-related conditions. ClinVar contains an entry for this variant (Variation ID: 859538). Algorithms developed to predict the effect of missense changes on protein structure and function output the following: SIFT: "Tolerated"; PolyPhen-2: "Benign"; Align-GVGD: "Class C0". The alanine amino acid residue is found in multiple mammalian species, which suggests that this missense change does not adversely affect protein function. In summary, the available evidence is currently insufficient to determine the role of this variant in disease. Therefore, it has been classified as a Variant of Uncertain Significance.

NM_000593.6(TAP1):c.326G>C (p.Gly109Ala)

Gene: TAP1 (transporter 1, ATP binding cassette subfamily B member; minus strand). Cytogenetic location: 6p21.32.
Variant type: single nucleotide variant.
Coding change: c.326G>C on transcript NM_000593.6 (MANE Select); coding-DNA position 326, G replaced by C.
Protein change: p.Gly109Ala; replaces glycine 109 with alanine.
Molecular consequence: missense variant.
Genome position (GRCh38, 1-based): chr6:32,853,311, C>G on the plus strand (G>C on the coding strand, the complement: TAP1 is on the minus strand). VCF-style: chr6-32853311-C-G. GRCh37 (hg19) VCF-style: chr6-32821088-C-G.
Other names: short protein forms G169A, G109A.
Identifiers: ClinVar variation 859538 (VCV000859538.8), dbSNP rs1227126352, ClinGen allele CA363582481.